The following is an entry in ClinVar:

ClinVar aggregate classification (germline): Uncertain significance. Review status: criteria provided, multiple submitters, no conflicts (2 of 4 stars). 2 submissions from 2 submitters: Uncertain significance (2). Last evaluated 2022-11-03.

Conditions:
Primary ciliary dyskinesia 27. Also called: CILIARY DYSKINESIA, PRIMARY, 27, WITHOUT SITUS INVERSUS. Identifiers: Orphanet 244, MedGen C3809701, MONDO:0014215, OMIM 615504.
Inborn genetic diseases. Identifiers: MedGen C0950123, MeSH D030342.

Allele frequency attached by ClinVar (database versions not stated): ESP Exome Variant Server 0.00008; gnomAD 0.00013 and 0.00014; TOPMed 0.00017.
gnomAD v4.1: 31 of 1,613,982 alleles (0.0019%); highest among the groups gnomAD compares: African/African-American, 0.037%; no homozygotes.

Submissions (2):

Ambry Genetics
Classification: Uncertain significance for Inborn genetic diseases. Last evaluated: 2022-11-03. Review status: criteria provided, single submitter. Criteria: Ambry Variant Classification Scheme 2023. Collection method: clinical testing. Allele origin: germline.

Labcorp Genetics (formerly Invitae), Labcorp
Classification: Uncertain significance for Primary ciliary dyskinesia 27. Last evaluated: 2022-08-09. Review status: criteria provided, single submitter. Criteria: Invitae Variant Classification Sherloc (09022015). Collection method: clinical testing. Allele origin: germline.
Comment: This sequence change replaces leucine, which is neutral and non-polar, with glutamine, which is neutral and polar, at codon 327 of the CCDC65 protein (p.Leu327Gln). This variant is present in population databases (rs149740964, gnomAD 0.05%). This variant has not been reported in the literature in individuals affected with CCDC65-related conditions. ClinVar contains an entry for this variant (Variation ID: 1015511). Algorithms developed to predict the effect of missense changes on protein structure and function (SIFT, PolyPhen-2, Align-GVGD) all suggest that this variant is likely to be tolerated. In summary, the available evidence is currently insufficient to determine the role of this variant in disease. Therefore, it has been classified as a Variant of Uncertain Significance.

NM_033124.5(DRC2):c.980T>A (p.Leu327Gln)

Gene: DRC2 (dynein regulatory complex subunit 2; plus strand). Cytogenetic location: 12q13.12.
Variant type: single nucleotide variant.
Coding change: c.980T>A on transcript NM_033124.5 (MANE Select); coding-DNA position 980, T replaced by A.
Protein change: p.Leu327Gln; replaces leucine 327 with glutamine.
Molecular consequence: missense variant.
Genome position (GRCh38, 1-based): chr12:48,918,857, T>A. VCF-style: chr12-48918857-T-A. GRCh37 (hg19) VCF-style: chr12-49312640-T-A.
Other names: c.551T>A, p.Leu184Gln (NM_001286957.2); c.980T>A (NM_033124.4); short protein forms L184Q, L327Q.
Identifiers: ClinVar variation 1015511 (VCV001015511.6), dbSNP rs149740964, ClinGen allele CA6543392.